The following is an entry in ClinVar:

ClinVar aggregate classification (germline): Likely pathogenic (1 of 4 stars; one submission).

Submission:

CeGaT Center for Human Genetics Tuebingen
Classification: Likely pathogenic. Last evaluated: 2024-07-01. Review status: criteria provided, single submitter. Criteria: CeGaT Center For Human Genetics Tuebingen Variant Classification Criteria Version 2. Collection method: clinical testing. Allele origin: germline. Affected: yes. Observed: 3 variant alleles.
Comment: EP300: PVS1:Strong, PM2

NM_001429.4(EP300):c.6532C>T (p.Gln2178Ter)

Gene: EP300 (EP300 lysine acetyltransferase; plus strand). Cytogenetic location: 22q13.2.
Variant type: single nucleotide variant.
Coding change: c.6532C>T on transcript NM_001429.4 (MANE Select); coding-DNA position 6532, C replaced by T.
Protein change: p.Gln2178Ter; replaces glutamine 2178 with a stop codon.
Molecular consequence: nonsense.
Genome position (GRCh38, 1-based): chr22:41,178,243, C>T. VCF-style: chr22-41178243-C-T. GRCh37 (hg19) VCF-style: chr22-41574247-C-T.
Other names: c.6454C>T, p.Gln2152Ter (NM_001362843.2); short protein forms Q2152*, Q2178*.
Identifiers: ClinVar variation 2653214 (VCV002653214.24), dbSNP rs2517835014, ClinGen allele CA411682177.